The following is an entry in ClinVar:

ClinVar aggregate classification (germline): Uncertain significance (1 of 4 stars; one submission).

Allele frequency attached by ClinVar (database versions not stated): ExAC 0.00001; 1000 Genomes Project 30x 0.00016; 1000 Genomes Project 0.00020; TOPMed 0.00001.
gnomAD v4.1: 20 of 1,614,032 alleles (0.0012%); highest among the groups gnomAD compares: Admixed American, 0.018%; no homozygotes.

Submission:

Labcorp Genetics (formerly Invitae), Labcorp
Classification: Uncertain significance. Last evaluated: 2022-08-16. Review status: criteria provided, single submitter. Criteria: Invitae Variant Classification Sherloc (09022015). Collection method: clinical testing. Allele origin: germline.
Comment: This sequence change replaces valine, which is neutral and non-polar, with leucine, which is neutral and non-polar, at codon 280 of the TUBGCP6 protein (p.Val280Leu). This variant is present in population databases (rs201399776, gnomAD 0.02%). This variant has not been reported in the literature in individuals affected with TUBGCP6-related conditions. ClinVar contains an entry for this variant (Variation ID: 961137). Algorithms developed to predict the effect of missense changes on protein structure and function output the following: SIFT: "Tolerated"; PolyPhen-2: "Benign"; Align-GVGD: "Class C0". The leucine amino acid residue is found in multiple mammalian species, which suggests that this missense change does not adversely affect protein function. In summary, the available evidence is currently insufficient to determine the role of this variant in disease. Therefore, it has been classified as a Variant of Uncertain Significance.

NM_020461.4(TUBGCP6):c.838G>C (p.Val280Leu)

Gene: TUBGCP6 (tubulin gamma complex component 6; minus strand). Cytogenetic location: 22q13.33.
Variant type: single nucleotide variant.
Coding change: c.838G>C on transcript NM_020461.4 (MANE Select); coding-DNA position 838, G replaced by C.
Protein change: p.Val280Leu; replaces valine 280 with leucine.
Molecular consequence: missense variant.
Genome position (GRCh38, 1-based): chr22:50,240,271, C>G on the plus strand (G>C on the coding strand, the complement: TUBGCP6 is on the minus strand). VCF-style: chr22-50240271-C-G. GRCh37 (hg19) VCF-style: chr22-50678700-C-G.
Other names: short protein forms V280L.
Identifiers: ClinVar variation 961137 (VCV000961137.5), dbSNP rs201399776, ClinGen allele CA10308937.